The following is an entry in ClinVar:

ClinVar aggregate classification (germline): Uncertain significance (1 of 4 stars; one submission).

Conditions:
Inborn genetic diseases. Identifiers: MedGen C0950123, MeSH D030342.

Submission:

Ambry Genetics
Classification: Uncertain significance for Inborn genetic diseases. Last evaluated: 2026-01-01. Review status: criteria provided, single submitter. Criteria: Ambry Variant Classification Scheme 2023. Collection method: clinical testing. Allele origin: germline.
Comment: The p.P164A variant (also known as c.490C>G), located in coding exon 1 of the CEBPA gene, results from a C to G substitution at nucleotide position 490. The proline at codon 164 is replaced by alanine, an amino acid with highly similar properties. This amino acid position is conserved. In addition, this alteration is predicted to be tolerated by in silico analysis. Based on the available evidence, the clinical significance of this variant remains unclear.

NM_004364.5(CEBPA):c.490C>G (p.Pro164Ala)

Gene: CEBPA (CCAAT enhancer binding protein alpha; minus strand). Cytogenetic location: 19q13.11.
Variant type: single nucleotide variant.
Coding change: c.490C>G on transcript NM_004364.5 (MANE Select); coding-DNA position 490, C replaced by G.
Protein change: p.Pro164Ala; replaces proline 164 with alanine.
Molecular consequence: missense variant.
Genome position (GRCh38, 1-based): chr19:33,301,925, G>C on the plus strand (C>G on the coding strand, the complement: CEBPA is on the minus strand). VCF-style: chr19-33301925-G-C. GRCh37 (hg19) VCF-style: chr19-33792831-G-C.
Other names: c.133C>G, p.Pro45Ala (NM_001285829.2); c.595C>G, p.Pro199Ala (NM_001287424.2); c.448C>G, p.Pro150Ala (NM_001287435.2); short protein forms P150A, P164A, P199A, P45A.
Identifiers: ClinVar variation 4843296 (VCV004843296.1).
Genomic context (GRCh38, chr19:33,301,925, plus strand): 5'-GCGGCTGGTAAGGGAAGAGGCCGGCCAGCGCCAGCTGCTTGGCTTCATCCTCCTCGCGGG[G>C]CTCCTGCTTGATCACCAGCGGCCGCAGCGCCGGCGCCCCGACGCGCTCGTACAGGGGCTC-3'
Protein context (NP_004355.2, residues 154-174): ALRPLVIKQE[Pro164Ala]REEDEAKQLA